The following is an entry in ClinVar:

NM_000702.4(ATP1A2):c.1730C>G (p.Thr577Arg)

Gene: ATP1A2 (ATPase Na+/K+ transporting subunit alpha 2; plus strand). Cytogenetic location: 1q23.2.
Variant type: single nucleotide variant.
Coding change: c.1730C>G on transcript NM_000702.4 (MANE Select); coding-DNA position 1730, C replaced by G.
Protein change: p.Thr577Arg; replaces threonine 577 with arginine.
Molecular consequence: missense variant.
Genome position (GRCh38, 1-based): chr1:160,130,500, C>G. VCF-style: chr1-160130500-C-G. GRCh37 (hg19) VCF-style: chr1-160100290-C-G.
Other names: short protein forms T577R.
Identifiers: ClinVar variation 4085395 (VCV004085395.8).

ClinVar aggregate classification (germline): Uncertain significance (1 of 4 stars; one submission).

gnomAD v4.1: 1 of 1,614,250 alleles (0.000062%); no homozygotes.

Submission:

CeGaT Center for Human Genetics Tuebingen
Classification: Uncertain significance. Last evaluated: 2025-07-01. Review status: criteria provided, single submitter. Criteria: CeGaT Center For Human Genetics Tuebingen Variant Classification Criteria Version 2. Collection method: clinical testing. Allele origin: germline. Affected: yes. Observed: 1 variant allele.
Comment: ATP1A2: PM2